The following is an entry in ClinVar:

NM_024649.5(BBS1):c.103C>T (p.His35Tyr)

Gene: BBS1 (Bardet-Biedl syndrome 1; plus strand). Cytogenetic location: 11q13.2.
Variant type: single nucleotide variant.
Coding change: c.103C>T on transcript NM_024649.5 (MANE Select); coding-DNA position 103, C replaced by T.
Protein change: p.His35Tyr; replaces histidine 35 with tyrosine.
Molecular consequence: missense variant.
Genome position (GRCh38, 1-based): chr11:66,511,068, C>T. VCF-style: chr11-66511068-C-T. GRCh37 (hg19) VCF-style: chr11-66278539-C-T.
Other names: short protein forms H35Y.
Identifiers: ClinVar variation 4993672 (VCV004993672.1).

ClinVar aggregate classification (germline): Uncertain significance (1 of 4 stars; one submission).

Conditions:
BBS1-related disorder. Also called: BBS1-related condition.

gnomAD v4.1: 5 of 1,614,032 alleles (0.00031%); highest among the groups gnomAD compares: African/African-American, 0.0013%; no homozygotes.

Submission:

PreventionGenetics, part of Exact Sciences
Classification: Uncertain significance for BBS1-related condition. Last evaluated: 2025-08-20. Review status: criteria provided, single submitter. Criteria: ACMG Guidelines, 2015. Collection method: clinical testing. Allele origin: germline.
Comment: The BBS1 c.103C>T variant is predicted to result in the amino acid substitution p.His35Tyr. To our knowledge, this variant has not been reported in the literature or in a large population database (gnomAD), indicating this variant is rare. At this time, the clinical significance of this variant is uncertain due to the absence of conclusive functional and genetic evidence.